The following is an entry in ClinVar:

NM_002230.4(JUP):c.1573C>T (p.Pro525Ser)

Gene: JUP (junction plakoglobin; minus strand). Cytogenetic location: 17q21.2.
Variant type: single nucleotide variant.
Coding change: c.1573C>T on transcript NM_002230.4 (MANE Select); coding-DNA position 1573, C replaced by T.
Protein change: p.Pro525Ser; replaces proline 525 with serine.
Molecular consequence: missense variant.
Genome position (GRCh38, 1-based): chr17:41,758,795, G>A on the plus strand (C>T on the coding strand, the complement: JUP is on the minus strand). VCF-style: chr17-41758795-G-A. GRCh37 (hg19) VCF-style: chr17-39915047-G-A.
Other names: c.1573C>T, p.Pro525Ser (NM_001352773.2, NM_001352774.2, NM_001352775.2 and 3 more transcripts); short protein forms P525S.
Identifiers: ClinVar variation 1428906 (VCV001428906.6), dbSNP rs1914314355, ClinGen allele CA399493821.
Genomic context (GRCh38, chr17:41,758,795, plus strand): 5'-CTGCAGCTACGTGGCGCTGGGCATCCTGGTGGGCCTTCACCAGCAGTTGGACGAGGCGGG[G>A]GATGACCGCTGCCTCCTGCAGCGGGGCATGGTTGGCTGGGCACAGGGCCAGATTCCTGAT-3'
Protein context (NP_002221.1, residues 515-535): HAPLQEAAVI[Pro525Ser]RLVQLLVKAH

ClinVar aggregate classification (germline): Uncertain significance (1 of 4 stars; one submission).

Conditions:
Naxos disease (NXD). Also called: WOOLLY HAIR, PALMOPLANTAR KERATODERMA, AND CARDIAC ABNORMALITIES; CARDIOMYOPATHY, ARRHYTHMOGENIC RIGHT VENTRICULAR, WITH SKIN, HAIR, AND NAIL ABNORMALITIES; PALMOPLANTAR KERATODERMA WITH ARRHYTHMOGENIC RIGHT VENTRICULAR CARDIOMYOPATHY AND WOOLLY HAIR; KERATOSIS PALMOPLANTARIS WITH ARRHYTHMOGENIC CARDIOMYOPATHY; MAL DE NAXOS. Identifiers: Orphanet 34217, MedGen C1832600, MONDO:0011017, OMIM 601214.
Arrhythmogenic right ventricular dysplasia 12. Also called: ARRHYTHMOGENIC RIGHT VENTRICULAR DYSPLASIA, FAMILIAL, 12. Identifiers: MedGen C1969081, MONDO:0012684, OMIM 611528.

Submission:

Labcorp Genetics (formerly Invitae), Labcorp
Classification: Uncertain significance for Arrhythmogenic right ventricular dysplasia 12; Naxos disease. Last evaluated: 2022-12-22. Review status: criteria provided, single submitter. Criteria: Invitae Variant Classification Sherloc (09022015). Collection method: clinical testing. Allele origin: germline.
Comment: This variant has not been reported in the literature in individuals affected with JUP-related conditions. In summary, the available evidence is currently insufficient to determine the role of this variant in disease. Therefore, it has been classified as a Variant of Uncertain Significance. Algorithms developed to predict the effect of missense changes on protein structure and function (SIFT, PolyPhen-2, Align-GVGD) all suggest that this variant is likely to be tolerated. ClinVar contains an entry for this variant (Variation ID: 1428906). This variant is not present in population databases (gnomAD no frequency). This sequence change replaces proline, which is neutral and non-polar, with serine, which is neutral and polar, at codon 525 of the JUP protein (p.Pro525Ser).